The following is an entry in ClinVar:

NM_206933.4(USH2A):c.12904A>G (p.Arg4302Gly)

Gene: USH2A (usherin; minus strand). Cytogenetic location: 1q41.
Variant type: single nucleotide variant.
Coding change: c.12904A>G on transcript NM_206933.4 (MANE Select); coding-DNA position 12904, A replaced by G.
Protein change: p.Arg4302Gly; replaces arginine 4302 with glycine.
Molecular consequence: missense variant.
Genome position (GRCh38, 1-based): chr1:215,675,007, T>C on the plus strand (A>G on the coding strand, the complement: USH2A is on the minus strand). VCF-style: chr1-215675007-T-C. GRCh37 (hg19) VCF-style: chr1-215848349-T-C.
Other names: short protein forms R4302G.
Identifiers: ClinVar variation 2111228 (VCV002111228.4), dbSNP rs1437342089, ClinGen allele CA344848363.

ClinVar aggregate classification (germline): Uncertain significance (1 of 4 stars; one submission).

Allele frequency attached by ClinVar (database versions not stated): gnomAD exomes below 0.00001; TOPMed below 0.00001; gnomAD 0.00001.
gnomAD v4.1: 2 of 1,614,090 alleles (0.00012%); highest among the groups gnomAD compares: Non-Finnish European, 0.00017%; no homozygotes.

Submission:

Labcorp Genetics (formerly Invitae), Labcorp
Classification: Uncertain significance. Last evaluated: 2022-04-11. Review status: criteria provided, single submitter. Criteria: Invitae Variant Classification Sherloc (09022015). Collection method: clinical testing. Allele origin: germline.
Comment: In summary, the available evidence is currently insufficient to determine the role of this variant in disease. Therefore, it has been classified as a Variant of Uncertain Significance. Algorithms developed to predict the effect of missense changes on protein structure and function (SIFT, PolyPhen-2, Align-GVGD) all suggest that this variant is likely to be disruptive. This variant has not been reported in the literature in individuals affected with USH2A-related conditions. This variant is not present in population databases (gnomAD no frequency). This sequence change replaces arginine, which is basic and polar, with glycine, which is neutral and non-polar, at codon 4302 of the USH2A protein (p.Arg4302Gly).